The following is an entry in ClinVar:

NM_001378120.1(MBD5):c.2738C>A (p.Pro913His)

Gene: MBD5 (methyl-CpG binding domain protein 5; plus strand). Cytogenetic location: 2q23.1.
Variant type: single nucleotide variant.
Coding change: c.2738C>A on transcript NM_001378120.1 (MANE Select); coding-DNA position 2738, C replaced by A.
Protein change: p.Pro913His; replaces proline 913 with histidine.
Molecular consequence: missense variant.
Genome position (GRCh38, 1-based): chr2:148,483,329, C>A. VCF-style: chr2-148483329-C-A. GRCh37 (hg19) VCF-style: chr2-149240898-C-A.
Other names: c.2738C>A, p.Pro913His (NM_001438854.1, NM_001438855.1, NM_001438856.1 and 7 more transcripts); short protein forms P913H.
Identifiers: ClinVar variation 4743722 (VCV004743722.1).

ClinVar aggregate classification (germline): Uncertain significance (1 of 4 stars; one submission).

Conditions:
Intellectual developmental disorder, autosomal dominant 1. Also called: MBD5 Haploinsufficiency; Intellectual disability, autosomal dominant 1. Identifiers: Orphanet 228402, MedGen C1969562, MONDO:0007974, OMIM 156200.

Submission:

Labcorp Genetics (formerly Invitae), Labcorp
Classification: Uncertain significance for Intellectual developmental disorder, autosomal dominant 1. Last evaluated: 2025-08-09. Review status: criteria provided, single submitter. Criteria: Invitae Variant Classification Sherloc (09022015). Collection method: clinical testing. Allele origin: germline.
Comment: This sequence change replaces proline, which is neutral and non-polar, with histidine, which is basic and polar, at codon 913 of the MBD5 protein (p.Pro913His). This variant is not present in population databases (gnomAD no frequency). This variant has not been reported in the literature in individuals affected with MBD5-related conditions. Invitae Evidence Modeling of protein sequence and biophysical properties (such as structural, functional, and spatial information, amino acid conservation, physicochemical variation, residue mobility, and thermodynamic stability) indicates that this missense variant is not expected to disrupt MBD5 protein function with a negative predictive value of 80%. In summary, the available evidence is currently insufficient to determine the role of this variant in disease. Therefore, it has been classified as a Variant of Uncertain Significance.